The following is an entry in ClinVar:

NM_006118.4(HAX1):c.172C>T (p.Pro58Ser)

Gene: HAX1 (HCLS1 associated protein X-1; plus strand). Cytogenetic location: 1q21.3.
Variant type: single nucleotide variant.
Coding change: c.172C>T on transcript NM_006118.4 (MANE Select); coding-DNA position 172, C replaced by T.
Protein change: p.Pro58Ser; replaces proline 58 with serine.
Molecular consequence: missense variant. On other transcripts: intron variant (1).
Genome position (GRCh38, 1-based): chr1:154,273,454, C>T. VCF-style: chr1-154273454-C-T. GRCh37 (hg19) VCF-style: chr1-154245930-C-T.
Other names: c.54-26C>T (NM_001018837.2); short protein forms P58S.
Identifiers: ClinVar variation 960900 (VCV000960900.1), dbSNP rs1260994720, ClinGen allele CA342591441.

ClinVar aggregate classification (germline): Uncertain significance (1 of 4 stars; one submission).

Conditions:
Kostmann syndrome (SCN3). Also called: KOSTMANN DISEASE; Autosomal recessive severe congenital neutropenia type 3. Identifiers: Orphanet 99749, MedGen C5235141, MONDO:0012548, OMIM 610738.

gnomAD v4.1: 2 of 1,614,138 alleles (0.00012%); highest among the groups gnomAD compares: Middle Eastern, 0.017%; no homozygotes.

Submission:

Labcorp Genetics (formerly Invitae), Labcorp
Classification: Uncertain significance for Severe congenital neutropenia 3, autosomal recessive. Last evaluated: 2019-10-22. Review status: criteria provided, single submitter. Criteria: Invitae Variant Classification Sherloc (09022015). Collection method: clinical testing. Allele origin: germline.
Comment: This sequence change replaces proline with serine at codon 58 of the HAX1 protein (p.Pro58Ser). The proline residue is weakly conserved and there is a moderate physicochemical difference between proline and serine. This variant is not present in population databases (ExAC no frequency). This variant has not been reported in the literature in individuals with HAX1-related conditions. Algorithms developed to predict the effect of missense changes on protein structure and function (SIFT, PolyPhen-2, Align-GVGD) all suggest that this variant is likely to be tolerated, but these predictions have not been confirmed by published functional studies and their clinical significance is uncertain. In summary, the available evidence is currently insufficient to determine the role of this variant in disease. Therefore, it has been classified as a Variant of Uncertain Significance.